The following is an entry in ClinVar:

NM_198129.4(LAMA3):c.2282A>T (p.Tyr761Phe)

Gene: LAMA3 (laminin subunit alpha 3; plus strand). Cytogenetic location: 18q11.2.
Variant type: single nucleotide variant.
Coding change: c.2282A>T on transcript NM_198129.4 (MANE Select); coding-DNA position 2282, A replaced by T.
Protein change: p.Tyr761Phe; replaces tyrosine 761 with phenylalanine.
Molecular consequence: missense variant.
Genome position (GRCh38, 1-based): chr18:23,819,975, A>T. VCF-style: chr18-23819975-A-T. GRCh37 (hg19) VCF-style: chr18-21399939-A-T.
Other names: c.2282A>T, p.Tyr761Phe (NM_001127717.4); short protein forms Y761F.
Identifiers: ClinVar variation 1694867 (VCV001694867.31), dbSNP rs1598856795, ClinGen allele CA402051204.

ClinVar aggregate classification (germline): Uncertain significance (1 of 4 stars; one submission).

Submission:

CeGaT Center for Human Genetics Tuebingen
Classification: Uncertain significance. Last evaluated: 2022-05-01. Review status: criteria provided, single submitter. Criteria: CeGaT Center For Human Genetics Tuebingen Variant Classification Criteria Version 2. Collection method: clinical testing. Allele origin: germline. Affected: yes. Observed: 1 variant allele.
Comment: LAMA3: PM2